The following is an entry in ClinVar:

NM_020320.5(RARS2):c.1035+2T>G

Gene: RARS2 (arginyl-tRNA synthetase 2, mitochondrial; minus strand). Cytogenetic location: 6q15.
Variant type: single nucleotide variant.
Coding change: c.1035+2T>G on transcript NM_020320.5 (MANE Select); the canonical splice donor site of the intron after coding-DNA position 1035, T replaced by G.
Molecular consequence: splice donor variant.
Genome position (GRCh38, 1-based): chr6:87,521,462, A>C on the plus strand (T>G on the coding strand, the complement: RARS2 is on the minus strand). VCF-style: chr6-87521462-A-C. GRCh37 (hg19) VCF-style: chr6-88231180-A-C.
Other names: c.1035+2T>G (NM_001350505.2); c.510+2T>G (NM_001350509.2, NM_001318785.2, NM_001350506.2 and 4 more transcripts).
Identifiers: ClinVar variation 2678269 (VCV002678269.4), dbSNP rs2483253242, ClinGen allele CA364925511.

ClinVar aggregate classification (germline): Likely pathogenic. Review status: criteria provided, multiple submitters, no conflicts (2 of 4 stars). 2 submissions from 2 submitters: Likely pathogenic (2). Last evaluated 2023-04-09.

Conditions:
Pontocerebellar hypoplasia type 6 (PCH6). Identifiers: Orphanet 166073, MedGen C1969084, MONDO:0012683, OMIM 611523.

Submissions (2):

Labcorp Genetics (formerly Invitae), Labcorp
Classification: Likely pathogenic. Last evaluated: 2023-04-09. Review status: criteria provided, single submitter. Criteria: Invitae Variant Classification Sherloc (09022015). Collection method: clinical testing. Allele origin: germline.
Comment: This variant has not been reported in the literature in individuals affected with RARS2-related conditions. In summary, the currently available evidence indicates that the variant is pathogenic, but additional data are needed to prove that conclusively. Therefore, this variant has been classified as Likely Pathogenic. Algorithms developed to predict the effect of sequence changes on RNA splicing suggest that this variant may disrupt the consensus splice site. This variant is not present in population databases (gnomAD no frequency). This sequence change affects a donor splice site in intron 12 of the RARS2 gene. It is expected to disrupt RNA splicing. Variants that disrupt the donor or acceptor splice site typically lead to a loss of protein function (PMID: 16199547), and loss-of-function variants in RARS2 are known to be pathogenic (PMID: 17847012, 22569581, 26083569).

Baylor Genetics
Classification: Likely pathogenic for Pontocerebellar hypoplasia type 6. Last evaluated: 2022-12-02. Review status: criteria provided, single submitter. Criteria: ACMG Guidelines, 2015. Collection method: clinical testing. Allele origin: unknown.

Literature cited by the submitters: PubMed 16199547 (cited by Labcorp Genetics (formerly Invitae), Labcorp); PubMed 17847012 (cited by Labcorp Genetics (formerly Invitae), Labcorp); PubMed 22569581 (cited by Labcorp Genetics (formerly Invitae), Labcorp); PubMed 26083569 (cited by Labcorp Genetics (formerly Invitae), Labcorp).